The following is an entry in ClinVar:

NC_000020.10:g.(?_62298812)_(62303984_?)del

Gene: RTEL1 (regulator of telomere elongation helicase 1; plus strand). Cytogenetic location: 20q13.33.
Variant type: Deletion.
Identifiers: ClinVar variation 1361216 (VCV001361216.8).

ClinVar aggregate classification (germline): Pathogenic (1 of 4 stars; one submission).

Conditions:
Pulmonary fibrosis and/or bone marrow failure, Telomere-related, 3. Also called: PULMONARY FIBROSIS AND/OR BONE MARROW FAILURE SYNDROME, TELOMERE-RELATED, 3. Identifiers: Orphanet 2032, MedGen C4225346, MONDO:0014613, OMIM 616373.
Dyskeratosis congenita, autosomal recessive 5 (DKCB5). Identifiers: MedGen C3554656, MONDO:0014076, OMIM 615190.

Submission:

Labcorp Genetics (formerly Invitae), Labcorp
Classification: Pathogenic for Dyskeratosis congenita, autosomal recessive 5; Pulmonary fibrosis and/or bone marrow failure, Telomere-related, 3. Last evaluated: 2021-07-19. Review status: criteria provided, single submitter. Criteria: Invitae Variant Classification Sherloc (09022015). Collection method: clinical testing. Allele origin: germline.
Comment: For these reasons, this variant has been classified as Pathogenic. This variant has not been reported in the literature in individuals affected with RTEL1-related conditions. This variant is a gross deletion of the genomic region encompassing exon(s) 8-9 of the RTEL1 gene. This deletion is out-of-frame, and is expected to create a premature translational stop signal and result in an absent or disrupted protein product. Loss-of-function variants in RTEL1 are known to be pathogenic (PMID: 23453664, 23959892, 25607374).

Literature cited by the submitters: PubMed 23453664; PubMed 23959892; PubMed 25607374.